The following is an entry in ClinVar:

NM_001303.4(COX10):c.520G>A (p.Ala174Thr)

Gene: COX10 (cytochrome c oxidase assembly factor heme A:farnesyltransferase COX10; plus strand). Cytogenetic location: 17p12.
Variant type: single nucleotide variant.
Coding change: c.520G>A on transcript NM_001303.4 (MANE Select); coding-DNA position 520, G replaced by A.
Protein change: p.Ala174Thr; replaces alanine 174 with threonine.
Molecular consequence: missense variant.
Genome position (GRCh38, 1-based): chr17:14,102,138, G>A. VCF-style: chr17-14102138-G-A. GRCh37 (hg19) VCF-style: chr17-14005455-G-A.
Other names: short protein forms A174T.
Identifiers: ClinVar variation 1370660 (VCV001370660.9), dbSNP rs2142200228, ClinGen allele CA398248702.
Genomic context (GRCh38, chr17:14,102,138, plus strand): 5'-CTGTTGGTAACAGTGTGTCTGCTCTGTTTCTGTATCGCAGCTCTGGTTGTAAGTACCACT[G>A]CAGCTGGATTTGCATTGGCTCCGGGCCCTTTTGACTGGCCCTGTTTCCTGCTTACTTCTG-3'
Protein context (NP_001294.2, residues 164-184): KLTALVVSTT[Ala174Thr]AGFALAPGPF

ClinVar aggregate classification (germline): Uncertain significance. Review status: criteria provided, multiple submitters, no conflicts (2 of 4 stars). 2 submissions from 2 submitters: Uncertain significance (2). Last evaluated 2022-08-09.

Conditions:
Mitochondrial complex IV deficiency, nuclear type 3. Also called: Mitochondrial complex 4 deficiency, nuclear type 3. Identifiers: MedGen C5436682, MONDO:0033635, OMIM 619046.

Allele frequency attached by ClinVar (database versions not stated): gnomAD exomes below 0.00001.
gnomAD v4.1: 2 of 1,613,690 alleles (0.00012%); highest among the groups gnomAD compares: Non-Finnish European, 0.000085%; no homozygotes.

Submissions (3):

Labcorp Genetics (formerly Invitae), Labcorp
Classification: Uncertain significance. Last evaluated: 2022-08-09. Review status: criteria provided, single submitter. Criteria: Invitae Variant Classification Sherloc (09022015). Collection method: clinical testing. Allele origin: germline.
Comment: Algorithms developed to predict the effect of missense changes on protein structure and function (SIFT, PolyPhen-2, Align-GVGD) all suggest that this variant is likely to be tolerated. In summary, the available evidence is currently insufficient to determine the role of this variant in disease. Therefore, it has been classified as a Variant of Uncertain Significance. ClinVar contains an entry for this variant (Variation ID: 1370660). This variant has not been reported in the literature in individuals affected with COX10-related conditions. This variant is not present in population databases (gnomAD no frequency). This sequence change replaces alanine, which is neutral and non-polar, with threonine, which is neutral and polar, at codon 174 of the COX10 protein (p.Ala174Thr).

Fulgent Genetics
Classification: Uncertain significance for Mitochondrial complex IV deficiency, nuclear type 3. Last evaluated: 2022-01-19. Review status: criteria provided, single submitter. Criteria: ACMG Guidelines, 2015. Collection method: clinical testing. Allele origin: unknown.

Johnston Lab, North Central College
No classification provided (evidence only). Review status: no classification provided. Collection method: in vitro. Allele origin: not applicable. Functional consequence: functionally_normal. Not counted in ClinVar's aggregate classification.
ClinVar note: "not provided" was previously submitted as the classification for the variant. However, the classification appeared to be based only on an observation of functional data so it was converted to no classification on 2025-07-30.